The following is an entry in ClinVar:

ClinVar aggregate classification (germline): Uncertain significance (0 of 4 stars; one submission).

Conditions:
TTN-related disorder. Also called: TTN-related disorders; TTN-related condition; TTN-related disease.

Submission:

PreventionGenetics, part of Exact Sciences
Classification: Uncertain significance for TTN-related condition. Last evaluated: 2024-06-29. Review status: no assertion criteria provided. Collection method: clinical testing. Allele origin: germline.
Comment: The TTN c.12278C>G variant is predicted to result in the amino acid substitution p.Ser4093Cys. This variant is referred to as c.11311+3002C>G (intronic) with an alternate transcript NM_001267550. To our knowledge, this variant has not been reported in the literature or in the large population database of gnomAD, indicating this variant is rare. At this time, the clinical significance of this variant is uncertain due to the absence of conclusive functional and genetic evidence.

NM_001267550.2(TTN):c.11311+3002C>G

Gene: TTN (titin; minus strand). Cytogenetic location: 2q31.2.
Variant type: single nucleotide variant.
Coding change: c.11311+3002C>G on transcript NM_001267550.2 (MANE Select); 3002 bases into the intron after coding-DNA position 11311, C replaced by G.
Molecular consequence: intron variant. On other transcripts: missense variant (1).
Genome position (GRCh38, 1-based): chr2:178,750,122, G>C on the plus strand (C>G on the coding strand, the complement: TTN is on the minus strand). VCF-style: chr2-178750122-G-C. GRCh37 (hg19) VCF-style: chr2-179614849-G-C.
Other names: c.12278C>G, p.Ser4093Cys (NM_133379.5); c.10222+3002C>G (NM_003319.4); c.10798+3002C>G (NM_133437.4); c.10597+3002C>G (NM_133432.3); c.10360+3002C>G (NM_133378.4, NM_001256850.1); short protein forms S4093C.
Identifiers: ClinVar variation 3347515 (VCV003347515.1).